The following is an entry in ClinVar:

ClinVar aggregate classification (germline): Uncertain significance (1 of 4 stars; one submission).

Conditions:
Fabry disease. Also called: ALPHA-GALACTOSIDASE A DEFICIENCY; ANDERSON-FABRY DISEASE; CERAMIDE TRIHEXOSIDASE DEFICIENCY; GLA DEFICIENCY; HEREDITARY DYSTOPIC LIPIDOSIS; Angiokeratoma corporis diffusum. Identifiers: Orphanet 324, MedGen C0002986, MONDO:0010526, OMIM 301500, HP:0001071. Disease mechanism: Fabry disease is due to inactivating mutations in the X-linked GLA gene resulting in deficiency of the enzyme Alpha Galactosidase-A., loss of function.

Submission:

Genomenon, Inc
Classification: Uncertain significance for Fabry disease. Last evaluated: 2026-09-08. Review status: criteria provided, single submitter. Criteria: Genomenon Sequence Variant Interpretation Standards - Updated. Collection method: curation. Allele origin: germline. Affected: no.
Comment: GLA p.Asp255Glu (c.765T>A) is a missense variant that changes the amino acid at codon 255 from Aspartic acid to Glutamic acid. This variant has been reported in the published literature (PMID:32023956). It is absent or not present at a significant frequency in gnomAD. In silico models predict that this variant is not damaging. In conclusion, we classify GLA p.Asp255Glu (c.765T>A) as a variant of uncertain significance.

Literature cited by the submitters: PubMed 32023956.

NM_000169.3(GLA):c.765T>A (p.Asp255Glu)

Genes: GLA (galactosidase alpha; minus strand), RPL36A-HNRNPH2 (RPL36A-HNRNPH2 readthrough; plus strand). Cytogenetic location: Xq22.1.
Variant type: single nucleotide variant.
Coding change: c.765T>A on transcript NM_000169.3 (MANE Select); coding-DNA position 765, T replaced by A.
Protein change: p.Asp255Glu; replaces aspartic acid 255 with glutamic acid.
Molecular consequence: missense variant. On other transcripts: non-coding transcript variant (3), intron variant (2).
Genome position (GRCh38, 1-based): chrX:101,398,821, A>T on the plus strand (T>A on the coding strand, the complement: GLA is on the minus strand). VCF-style: chrX-101398821-A-T. GRCh37 (hg19) VCF-style: chrX-100653809-A-T.
Other names: c.888T>A, p.Asp296Glu (NM_001406747.1); c.765T>A, p.Asp255Glu (NM_001406748.1); c.300+3364A>T (NM_001199973.2); c.177+6999A>T (NM_001199974.2); short protein forms D255E, D296E.
Identifiers: ClinVar variation 4087497 (VCV004087497.2).